The following is an entry in ClinVar:

ClinVar aggregate classification (germline): Benign. Review status: criteria provided, multiple submitters, no conflicts (2 of 4 stars). 2 submissions from 2 submitters: Benign (2). Last evaluated 2026-01-14.

Conditions:
Corneal dystrophy. Identifiers: Orphanet 34533, MedGen C0010036, MONDO:0018102, HP:0001131.

Allele frequency attached by ClinVar (database versions not stated): TOPMed 0.00565; ESP Exome Variant Server 0.00567; gnomAD 0.00623 and 0.00734; gnomAD exomes 0.00833 and 0.01115; 1000 Genomes Project 30x 0.01015; 1000 Genomes Project 0.01098; ExAC 0.01121.
gnomAD v4.1: 13,411 of 1,613,978 alleles (0.83%); highest among the groups gnomAD compares: South Asian, 3.2%; 132 homozygotes.

Submissions (2):

Labcorp Genetics (formerly Invitae), Labcorp
Classification: Benign. Last evaluated: 2026-01-14. Review status: criteria provided, single submitter. Criteria: Invitae Variant Classification Sherloc (09022015). Collection method: clinical testing. Allele origin: germline.

Illumina Laboratory Services, Illumina
Classification: Benign for Corneal dystrophy. Last evaluated: 2018-01-12. Review status: criteria provided, single submitter. Criteria: ICSL Variant Classification Criteria 13 December 2019. Collection method: clinical testing. Allele origin: germline.
Comment: This variant was observed in the ICSL laboratory as part of a predisposition screen in an ostensibly healthy population. It had not been previously curated by ICSL or reported in the Human Gene Mutation Database (HGMD: prior to June 1st, 2018), and was therefore a candidate for classification through an automated scoring system. Utilizing variant allele frequency, disease prevalence and penetrance estimates, and inheritance mode, an automated score was calculated to assess if this variant is too frequent to cause the disease. Based on the score and internal cut-off values, a variant classified as benign is not then subjected to further curation. The score for this variant resulted in a classification of benign for this disease.

NM_000358.3(TGFBI):c.816C>T (p.Asn272=)

Gene: TGFBI (transforming growth factor beta induced; plus strand). Cytogenetic location: 5q31.1.
Variant type: single nucleotide variant.
Coding change: c.816C>T on transcript NM_000358.3 (MANE Select); coding-DNA position 816, C replaced by T.
Protein change: p.Asn272=; no amino-acid change (asparagine 272 retained).
Molecular consequence: synonymous variant.
Genome position (GRCh38, 1-based): chr5:136,049,483, C>T. VCF-style: chr5-136049483-C-T. GRCh37 (hg19) VCF-style: chr5-135385172-C-T.
Identifiers: ClinVar variation 350877 (VCV000350877.9), dbSNP rs34334509, ClinGen allele CA3420168.